The following is an entry in ClinVar:

ClinVar aggregate classification (germline): Uncertain significance (1 of 4 stars; one submission).

gnomAD v4.1: 1 of 1,141,622 alleles (0.000088%); highest among the groups gnomAD compares: Non-Finnish European, 0.00011%; no homozygotes.

Submission:

Ambry Genetics
Classification: Uncertain significance. Last evaluated: 2022-04-21. Review status: criteria provided, single submitter. Criteria: Ambry Variant Classification Scheme 2023. Collection method: clinical testing. Allele origin: germline.
Comment: The c.-2G>A variant is located in the 5' untranslated region (5&rsquo; UTR) of the GALNT12 gene. This variant results from a G to A substitution 2 bases upstream from the first translated codon. This nucleotide position is highly conserved in available vertebrate species. The evidence for this gene-disease relationship is limited; therefore, the clinical significance of this alteration is unclear.

NM_024642.5(GALNT12):c.-2G>A

Gene: GALNT12 (polypeptide N-acetylgalactosaminyltransferase 12; plus strand). Cytogenetic location: 9q22.33.
Variant type: single nucleotide variant.
Coding change: c.-2G>A on transcript NM_024642.5 (MANE Select); 2 bases upstream of the start codon, G replaced by A.
Molecular consequence: 5 prime UTR variant.
Genome position (GRCh38, 1-based): chr9:98,807,697, G>A. VCF-style: chr9-98807697-G-A. GRCh37 (hg19) VCF-style: chr9-101569979-G-A.
Identifiers: ClinVar variation 3227943 (VCV003227943.1), dbSNP rs895560383, ClinGen allele CA2690948418.